The following is an entry in ClinVar:

ClinVar aggregate classification (germline): Conflicting classifications of pathogenicity. Review status: criteria provided, conflicting classifications (1 of 4 stars). 3 submissions from 3 submitters: Uncertain significance (2); Benign (1). Last evaluated 2025-11-08.

Conditions:
Autosomal recessive Alport syndrome (ATS2). Also called: COL4A3-Related Nephropathy; COL4A4 Alport Syndrome and Thin Basement Membrane Nephropathy; ALPORT SYNDROME 2, AUTOSOMAL RECESSIVE; Alport syndrome type 2. Identifiers: Orphanet 63, Orphanet 88919, MedGen C4746745, MONDO:0008762, OMIM 203780.
Hematuria, benign familial, 1 (BFH1). Also called: THIN MEMBRANE NEPHROPATHY. Identifiers: MedGen CN376803, MONDO:0007709, OMIM 141200.

Allele frequency attached by ClinVar (database versions not stated): gnomAD exomes 0.00002; ExAC 0.00004; gnomAD 0.00011; TOPMed 0.00014.
gnomAD v4.1: 45 of 1,614,140 alleles (0.0028%); highest among the groups gnomAD compares: African/African-American, 0.037%; no homozygotes.

Submissions (3):

Labcorp Genetics (formerly Invitae), Labcorp
Classification: Benign. Last evaluated: 2025-11-08. Review status: criteria provided, single submitter. Criteria: Invitae Variant Classification Sherloc (09022015). Collection method: clinical testing. Allele origin: germline.

GeneDx
Classification: Uncertain significance. Last evaluated: 2024-03-05. Review status: criteria provided, single submitter. Criteria: GeneDx Variant Classification Process June 2021. Collection method: clinical testing. Allele origin: germline. Affected: yes.
Comment: Occurs in the triple helical domain at the Y position in the canonical Gly-X-Y repeat; although this variant may have an effect on normal protein folding and function, missense substitution at the Y position is not a common mechanism of disease; In silico analysis supports that this missense variant does not alter protein structure/function; Has not been previously published as pathogenic or benign to our knowledge

Fulgent Genetics
Classification: Uncertain significance for Hematuria, benign familial, 1; Autosomal recessive Alport syndrome. Last evaluated: 2024-01-20. Review status: criteria provided, single submitter. Criteria: ACMG Guidelines, 2015. Collection method: clinical testing. Allele origin: germline.

NM_000092.5(COL4A4):c.2776G>A (p.Glu926Lys)

Gene: COL4A4 (collagen type IV alpha 4 chain; minus strand). Cytogenetic location: 2q36.3.
Variant type: single nucleotide variant.
Coding change: c.2776G>A on transcript NM_000092.5 (MANE Select); coding-DNA position 2776, G replaced by A.
Protein change: p.Glu926Lys; replaces glutamic acid 926 with lysine.
Molecular consequence: missense variant.
Genome position (GRCh38, 1-based): chr2:227,054,678, C>T on the plus strand (G>A on the coding strand, the complement: COL4A4 is on the minus strand). VCF-style: chr2-227054678-C-T. GRCh37 (hg19) VCF-style: chr2-227919394-C-T.
Other names: short protein forms E926K.
Identifiers: ClinVar variation 1723799 (VCV001723799.9), dbSNP rs771064865, ClinGen allele CA2144719.
Genomic context (GRCh38, chr2:227,054,678, plus strand): 5'-CTCCAGGAAGGCCAGACATGCCCTTCTCTCCAGGTTCTCCCTTTGCGCCAGGACATCCCT[C>T]TGCACCAGGCTTTCCTCTTTCTCCGGGAAAACCTGGGAAACCAGGCAGCCCCCGGGGTCC-3'
Protein context (NP_000083.3, residues 916-936): FPGERGKPGA[Glu926Lys]GCPGAKGEPG